The following is an entry in ClinVar:

ClinVar aggregate classification (germline): Uncertain significance (1 of 4 stars; one submission).

Allele frequency attached by ClinVar (database versions not stated): gnomAD exomes below 0.00001.
gnomAD v4.1: 1 of 1,567,412 alleles (0.000064%); highest among the groups gnomAD compares: African/African-American, 0.0014%; no homozygotes.

Submission:

Labcorp Genetics (formerly Invitae), Labcorp
Classification: Uncertain significance. Last evaluated: 2022-05-12. Review status: criteria provided, single submitter. Criteria: Invitae Variant Classification Sherloc (09022015). Collection method: clinical testing. Allele origin: germline.
Comment: This sequence change replaces lysine, which is basic and polar, with arginine, which is basic and polar, at codon 192 of the RARS protein (p.Lys192Arg). This variant is not present in population databases (gnomAD no frequency). This variant has not been reported in the literature in individuals affected with RARS-related conditions. Algorithms developed to predict the effect of missense changes on protein structure and function are either unavailable or do not agree on the potential impact of this missense change (SIFT: "Deleterious"; PolyPhen-2: "Benign"; Align-GVGD: "Class C0"). In summary, the available evidence is currently insufficient to determine the role of this variant in disease. Therefore, it has been classified as a Variant of Uncertain Significance.

NM_002887.4(RARS1):c.575A>G (p.Lys192Arg)

Gene: RARS1 (arginyl-tRNA synthetase 1; plus strand). Cytogenetic location: 5q34.
Variant type: single nucleotide variant.
Coding change: c.575A>G on transcript NM_002887.4 (MANE Select); coding-DNA position 575, A replaced by G.
Protein change: p.Lys192Arg; replaces lysine 192 with arginine.
Molecular consequence: missense variant.
Genome position (GRCh38, 1-based): chr5:168,494,646, A>G. VCF-style: chr5-168494646-A-G. GRCh37 (hg19) VCF-style: chr5-167921651-A-G.
Other names: short protein forms K192R.
Identifiers: ClinVar variation 1953255 (VCV001953255.2), dbSNP rs2533365647, ClinGen allele CA362079271.